The following is an entry in ClinVar:

NM_000081.4(LYST):c.1940T>G (p.Leu647Arg)

Gene: LYST (lysosomal trafficking regulator; minus strand). Cytogenetic location: 1q42.3.
Variant type: single nucleotide variant.
Coding change: c.1940T>G on transcript NM_000081.4 (MANE Select); coding-DNA position 1940, T replaced by G.
Protein change: p.Leu647Arg; replaces leucine 647 with arginine.
Molecular consequence: missense variant.
Genome position (GRCh38, 1-based): chr1:235,808,878, A>C on the plus strand (T>G on the coding strand, the complement: LYST is on the minus strand). VCF-style: chr1-235808878-A-C. GRCh37 (hg19) VCF-style: chr1-235972178-A-C.
Other names: c.1940T>G, p.Leu647Arg (NM_001301365.1); short protein forms L647R.
Identifiers: ClinVar variation 525169 (VCV000525169.9), dbSNP rs147794568, ClinGen allele CA1467378.

ClinVar aggregate classification (germline): Uncertain significance. Review status: criteria provided, multiple submitters, no conflicts (2 of 4 stars). 3 submissions from 3 submitters: Uncertain significance (3). Last evaluated 2022-10-07.

Conditions:
Chédiak-Higashi syndrome (CHS). Also called: Chediak-Higashi Syndrome. Identifiers: Orphanet 167, MedGen C0007965, MONDO:0008963, OMIM 214500.

Allele frequency attached by ClinVar (database versions not stated): ExAC 0.00002; TOPMed 0.00005; gnomAD 0.00007; ESP Exome Variant Server 0.00008.
gnomAD v4.1: 112 of 1,613,840 alleles (0.0069%); highest among the groups gnomAD compares: Non-Finnish European, 0.009%; no homozygotes.

Submissions (3):

Labcorp Genetics (formerly Invitae), Labcorp
Classification: Uncertain significance for Chédiak-Higashi syndrome. Last evaluated: 2022-10-07. Review status: criteria provided, single submitter. Criteria: Invitae Variant Classification Sherloc (09022015). Collection method: clinical testing. Allele origin: germline.
Comment: This sequence change replaces leucine, which is neutral and non-polar, with arginine, which is basic and polar, at codon 647 of the LYST protein (p.Leu647Arg). This variant is present in population databases (rs147794568, gnomAD 0.008%). This missense change has been observed in individual(s) with systemic juvenile idiopathic arthritis and macrophage activation syndrome (PMID: 25047945). ClinVar contains an entry for this variant (Variation ID: 525169). Advanced modeling of protein sequence and biophysical properties (such as structural, functional, and spatial information, amino acid conservation, physicochemical variation, residue mobility, and thermodynamic stability) performed at Invitae indicates that this missense variant is not expected to disrupt LYST protein function. In summary, the available evidence is currently insufficient to determine the role of this variant in disease. Therefore, it has been classified as a Variant of Uncertain Significance.

Revvity Omics, Revvity
Classification: Uncertain significance for Chédiak-Higashi syndrome. Last evaluated: 2019-12-19. Review status: criteria provided, single submitter. Criteria: ACMG Guidelines, 2015. Collection method: clinical testing. Allele origin: germline.

Illumina Laboratory Services, Illumina
Classification: Uncertain significance for Chédiak-Higashi syndrome. Last evaluated: 2017-04-27. Review status: criteria provided, single submitter. Criteria: ICSL Variant Classification Criteria 13 December 2019. Collection method: clinical testing. Allele origin: germline.
Comment: This variant was observed as part of a predisposition screen in an ostensibly healthy population. A literature search was performed for the gene, cDNA change, and amino acid change (where applicable). Publications were found based on this search. However, the evidence from the literature, in combination with allele frequency data from public databases where available, was not sufficient to rule this variant in or out of causing disease. Therefore, this variant is classified as a variant of unknown significance.

Literature cited by the submitters: PubMed 25047945 (cited by Labcorp Genetics (formerly Invitae), Labcorp and Illumina Laboratory Services, Illumina).